The following is an entry in ClinVar:

ClinVar aggregate classification (germline): Likely pathogenic (1 of 4 stars; one submission).

Conditions:
Pfeiffer syndrome (ACS5). Also called: ACS V. Identifiers: Orphanet 710, MedGen C0220658, MONDO:0007043, OMIM 101600.
Hypogonadotropic hypogonadism 2 with or without anosmia (HH2). Also called: HYPOGONADOTROPIC HYPOGONADISM 2 WITH OR WITHOUT ANOSMIA, SUSCEPTIBILITY TO; HYPOGONADOTROPIC HYPOGONADISM 2 WITHOUT ANOSMIA, SUSCEPTIBILITY TO; FGFR1-Related GnRH Deficiency (Kallmann Syndrome 2); HYPOGONADOTROPIC HYPOGONADISM 2 WITHOUT ANOSMIA. Identifiers: Orphanet 478, MedGen C1563720, MONDO:0007844, OMIM 147950. Disease mechanism: loss of function.

Submission:

Labcorp Genetics (formerly Invitae), Labcorp
Classification: Likely pathogenic for Pfeiffer syndrome; Hypogonadotropic hypogonadism 2 with or without anosmia. Last evaluated: 2023-08-17. Review status: criteria provided, single submitter. Criteria: Invitae Variant Classification Sherloc (09022015). Collection method: clinical testing. Allele origin: germline.
Comment: This missense change has been observed in individual(s) with Kallmann syndrome (PMID: 17154279). This variant is not present in population databases (gnomAD no frequency). This sequence change replaces alanine, which is neutral and non-polar, with proline, which is neutral and non-polar, at codon 361 of the FGFR1 protein (p.Ala361Pro). This variant also falls at the last nucleotide of exon 8, which is part of the consensus splice site for this exon. In summary, the currently available evidence indicates that the variant is pathogenic, but additional data are needed to prove that conclusively. Therefore, this variant has been classified as Likely Pathogenic. This variant disrupts the c.1081G nucleotide in the FGFR1 gene. Other variant(s) that disrupt this nucleotide have been determined to be pathogenic (PMID: 34342100). This suggests that this nucleotide is clinically significant, and that variants that disrupt this position are likely to be disease-causing. Variants that disrupt the consensus splice site are a relatively common cause of aberrant splicing (PMID: 17576681, 9536098). Studies have shown that this missense change is associated with altered splicing resulting in unknown protein product impact (PMID: 17154279). An algorithm developed to predict the effect of missense changes on protein structure and function (PolyPhen-2) suggests that this variant is likely to be tolerated.

Literature cited by the submitters: PubMed 17154279; PubMed 34342100; PubMed 17576681; PubMed 9536098.

NM_023110.3(FGFR1):c.1081G>C (p.Ala361Pro)

Gene: FGFR1 (fibroblast growth factor receptor 1; minus strand). Cytogenetic location: 8p11.23.
Variant type: single nucleotide variant.
Coding change: c.1081G>C on transcript NM_023110.3 (MANE Select); coding-DNA position 1081, G replaced by C.
Protein change: p.Ala361Pro; replaces alanine 361 with proline.
Molecular consequence: missense variant.
Genome position (GRCh38, 1-based): chr8:38,421,797, C>G on the plus strand (G>C on the coding strand, the complement: FGFR1 is on the minus strand). VCF-style: chr8-38421797-C-G. GRCh37 (hg19) VCF-style: chr8-38279315-C-G.
Other names: c.1081G>C, p.Ala361Pro (NM_000604.2, NM_001174063.2); c.1057G>C, p.Ala353Pro (NM_001174064.2); c.1075G>C, p.Ala359Pro (NM_001174065.2, NM_001354367.2, NM_001354369.2 and 2 more transcripts); c.814G>C, p.Ala272Pro (NM_001174066.2, NM_023105.3); c.1174G>C, p.Ala392Pro (NM_001174067.2); c.808G>C, p.Ala270Pro (NM_001354368.2, NM_001354370.2, NM_023106.3); short protein forms A361P, A353P, A359P, A392P, A270P, A272P.
Identifiers: ClinVar variation 2925435 (VCV002925435.3), dbSNP rs2150751821, ClinGen allele CA370734067.